The following is an entry in ClinVar:

ClinVar aggregate classification (germline): Likely pathogenic (1 of 4 stars; one submission).

Conditions:
Epidermodysplasia verruciformis. Identifiers: Orphanet 302, MedGen C0014522, MONDO:0009176.

Submission:

Labcorp Genetics (formerly Invitae), Labcorp
Classification: Likely pathogenic for Epidermodysplasia verruciformis. Last evaluated: 2025-11-03. Review status: criteria provided, single submitter. Criteria: Invitae Variant Classification Sherloc (09022015). Collection method: clinical testing. Allele origin: germline.
Comment: This sequence change affects an acceptor splice site in intron 12 of the TMC8 gene. It is expected to disrupt RNA splicing. Variants that disrupt the donor or acceptor splice site typically lead to a loss of protein function (PMID: 16199547), and loss-of-function variants in TMC8 are known to be pathogenic (PMID: 12426567, 22158547). This variant is not present in population databases (gnomAD no frequency). This variant has not been reported in the literature in individuals affected with TMC8-related conditions. ClinVar contains an entry for this variant (Variation ID: 2001621). Algorithms developed to predict the effect of sequence changes on RNA splicing suggest that this variant may disrupt the consensus splice site. In summary, the currently available evidence indicates that the variant is pathogenic, but additional data are needed to prove that conclusively. Therefore, this variant has been classified as Likely Pathogenic.

Literature cited by the submitters: PubMed 16199547; PubMed 12426567; PubMed 22158547.

NM_152468.5(TMC8):c.1534-1G>C

Gene: TMC8 (transmembrane channel like 8; plus strand). Cytogenetic location: 17q25.3.
Variant type: single nucleotide variant.
Coding change: c.1534-1G>C on transcript NM_152468.5 (MANE Select); the canonical splice acceptor site of the intron before coding-DNA position 1534, G replaced by C.
Molecular consequence: splice acceptor variant.
Genome position (GRCh38, 1-based): chr17:78,138,348, G>C. VCF-style: chr17-78138348-G-C. GRCh37 (hg19) VCF-style: chr17-76134429-G-C.
Identifiers: ClinVar variation 2001621 (VCV002001621.4), dbSNP rs1462849002, ClinGen allele CA401251197.